The following is an entry in ClinVar:

ClinVar aggregate classification (germline): Conflicting classifications of pathogenicity. Review status: criteria provided, conflicting classifications (1 of 4 stars). 2 submissions from 2 submitters: Uncertain significance (1); Likely benign (1). Last evaluated 2025-05-05.

Conditions:
Familial hypocalciuric hypercalcemia (FHH). Also called: Familial benign hypercalcemia. Identifiers: Orphanet 405, MedGen C1809471, MONDO:0018458.
Autosomal dominant hypocalcemia 1 (HYPOC1). Also called: HYPOCALCEMIA, FAMILIAL. Identifiers: MedGen C3715128, MONDO:0011013, OMIM 601198.
Nephrolithiasis/nephrocalcinosis. Identifiers: MedGen CN580796.

Allele frequency attached by ClinVar (database versions not stated): gnomAD exomes below 0.00001; gnomAD 0.00001.
gnomAD v4.1: 7 of 1,614,076 alleles (0.00043%); highest among the groups gnomAD compares: African/African-American, 0.0027%; no homozygotes.

Submissions (2):

Labcorp Genetics (formerly Invitae), Labcorp
Classification: Uncertain significance for Familial hypocalciuric hypercalcemia; Autosomal dominant hypocalcemia 1. Last evaluated: 2025-05-05. Review status: criteria provided, single submitter. Criteria: Invitae Variant Classification Sherloc (09022015). Collection method: clinical testing. Allele origin: germline.
Comment: This sequence change replaces threonine, which is neutral and polar, with alanine, which is neutral and non-polar, at codon 1006 of the CASR protein (p.Thr1006Ala). This variant is present in population databases (no rsID available, gnomAD 0.003%). This variant has not been reported in the literature in individuals affected with CASR-related conditions. ClinVar contains an entry for this variant (Variation ID: 860373). An algorithm developed to predict the effect of missense changes on protein structure and function outputs the following: PolyPhen-2: "Benign". The alanine amino acid residue is found in multiple mammalian species, which suggests that this missense change does not adversely affect protein function. In summary, the available evidence is currently insufficient to determine the role of this variant in disease. Therefore, it has been classified as a Variant of Uncertain Significance.

Ambry Genetics
Classification: Likely benign for Nephrolithiasis/nephrocalcinosis. Last evaluated: 2024-03-21. Review status: criteria provided, single submitter. Criteria: Ambry Variant Classification Scheme 2023. Collection method: clinical testing. Allele origin: germline.

NM_000388.4(CASR):c.3016A>G (p.Thr1006Ala)

Gene: CASR (calcium sensing receptor; plus strand). Cytogenetic location: 3q21.1.
Variant type: single nucleotide variant.
Coding change: c.3016A>G on transcript NM_000388.4 (MANE Select); coding-DNA position 3016, A replaced by G.
Protein change: p.Thr1006Ala; replaces threonine 1006 with alanine.
Molecular consequence: missense variant.
Genome position (GRCh38, 1-based): chr3:122,284,970, A>G. VCF-style: chr3-122284970-A-G. GRCh37 (hg19) VCF-style: chr3-122003817-A-G.
Other names: c.3046A>G, p.Thr1016Ala (NM_001178065.2); short protein forms T1006A, T1016A.
Identifiers: ClinVar variation 860373 (VCV000860373.10), dbSNP rs1381478610, ClinGen allele CA354161274.